The following is an entry in ClinVar:

ClinVar aggregate classification (germline): Conflicting classifications of pathogenicity. Review status: criteria provided, conflicting classifications (1 of 4 stars). 2 submissions from 2 submitters: Likely pathogenic (1); Uncertain significance (1). Last evaluated 2024-03-24.

Conditions:
Tatton-Brown-Rahman overgrowth syndrome. Also called: Tatton-Brown-Rahman syndrome; Tall stature-intellectual disability-facial dysmorphism syndrome. Identifiers: Orphanet 404443, MedGen C4014545, MONDO:0014382, OMIM 615879.

Submissions (2):

Clinical Genetics Laboratory, CHRU Nancy
Classification: Likely pathogenic for Tatton-Brown-Rahman overgrowth syndrome. Last evaluated: 2024-03-24. Review status: criteria provided, single submitter. Criteria: ACMG Guidelines, 2015. Collection method: clinical testing. Allele origin: germline. Affected: yes.

GeneDx
Classification: Uncertain significance. Last evaluated: 2023-11-08. Review status: criteria provided, single submitter. Criteria: GeneDx Variant Classification Process June 2021. Collection method: clinical testing. Allele origin: germline. Affected: yes.
Comment: Not observed at significant frequency in large population cohorts (gnomAD); In-frame duplication of 6 amino acids in a non-repeat region; Has not been previously published as pathogenic or benign to our knowledge

NM_022552.5(DNMT3A):c.1078_1095dup (p.Tyr365_Arg366insAsnLysGlnProMetTyr)

Gene: DNMT3A (DNA methyltransferase 3 alpha; minus strand). Cytogenetic location: 2p23.3.
Variant type: Duplication.
Coding change: c.1078_1095dup on transcript NM_022552.5 (MANE Select); coding-DNA positions 1078 to 1095, 18 bases duplicated (AACAAGCAGCCCATGTAC).
Protein change: p.Tyr365_Arg366insAsnLysGlnProMetTyr.
Molecular consequence: inframe insertion. On other transcripts: non-coding transcript variant (1).
Genome position (GRCh38, 1-based): chr2:25,247,078-25,247,095, GTACATGGGCTGCTTGTT duplicated on the plus strand (AACAAGCAGCCCATGTAC on the coding strand, the reverse complement: DNMT3A is on the minus strand); duplicating any 18 consecutive bases within chr2:25,247,078-25,247,099 gives the same sequence; the c. name uses the placement nearest the transcript's 3' end. VCF-style (leftmost placement, unchanged base first): chr2-25247077-G-GGTACATGGGCTGCTTGTT. GRCh37 (hg19) VCF-style: chr2-25469946-G-GGTACATGGGCTGCTTGTT.
Other names: c.511_528dup, p.Tyr176_Arg177insAsnLysGlnProMetTyr (NM_153759.3); c.1078_1095dup, p.Tyr365_Arg366insAsnLysGlnProMetTyr (NM_175629.2); c.622_639dup, p.Tyr213_Arg214insAsnLysGlnProMetTyr (NM_001320893.1); c.409_426dup, p.Tyr142_Arg143insAsnLysGlnProMetTyr (NM_001375819.1).
Identifiers: ClinVar variation 3064277 (VCV003064277.2).